The following is an entry in ClinVar:

ClinVar aggregate classification (germline): Pathogenic (1 of 4 stars; one submission).

Conditions:
Bardet-Biedl syndrome (BBS). Identifiers: Orphanet 110, MedGen C0752166, MONDO:0015229.

Submission:

Labcorp Genetics (formerly Invitae), Labcorp
Classification: Pathogenic for Bardet-Biedl syndrome. Last evaluated: 2022-04-20. Review status: criteria provided, single submitter. Criteria: Invitae Variant Classification Sherloc (09022015). Collection method: clinical testing. Allele origin: germline.
Comment: This variant is a gross deletion of the genomic region encompassing exon(s) 10-11 of the BBS1 gene. This deletion is out-of-frame, and is expected to create a premature termination codon and result in an absent or disrupted protein product. Loss-of-function variants in BBS1 are known to be pathogenic (PMID: 12118255, 21520335, 27032803). This variant has not been reported in the literature in individuals affected with BBS1-related conditions. For these reasons, this variant has been classified as Pathogenic.

Literature cited by the submitters: PubMed 12118255; PubMed 21520335; PubMed 27032803.

NC_000011.9:g.(?_66290917)_(66291363_?)del

Gene: BBS1 (Bardet-Biedl syndrome 1; plus strand). Cytogenetic location: 11q13.2.
Variant type: Deletion.
Identifiers: ClinVar variation 1458982 (VCV001458982.4).